The following is an entry in ClinVar:

ClinVar aggregate classification (germline): Likely benign. Review status: criteria provided, single submitter (1 of 4 stars). 4 submissions from 4 submitters: Likely benign (1). 3 of the submissions do not count toward it.

Conditions:
INTS8-related disorder. Also called: INTS8-related condition.

Allele frequency attached by ClinVar (database versions not stated): 1000 Genomes Project 0.00100; 1000 Genomes Project 30x 0.00125; ExAC 0.00194; gnomAD 0.00199 and 0.00200; gnomAD exomes 0.00208 and 0.00312; TOPMed 0.00220; ESP Exome Variant Server 0.00269.
gnomAD v4.1: 4,837 of 1,612,474 alleles (0.3%); highest among the groups gnomAD compares: Non-Finnish European, 0.34%; 5 homozygotes.

Submissions (4):

Breakthrough Genomics
Classification: Likely benign. Review status: criteria provided, single submitter. Criteria: ACMG Guidelines, 2015. Collection method: not provided. Allele origin: germline. Inheritance: Autosomal recessive inheritance. Affected: yes.

PreventionGenetics, part of Exact Sciences
Classification: Likely benign for INTS8-related condition. Last evaluated: 2019-11-25. Review status: no assertion criteria provided. Collection method: clinical testing. Allele origin: germline. Not counted in ClinVar's aggregate classification.
Comment: This variant is classified as likely benign based on ACMG/AMP sequence variant interpretation guidelines (Richards et al. 2015 PMID: 25741868, with internal and published modifications).

Clinical Genetics DNA and cytogenetics Diagnostics Lab, Erasmus MC, Erasmus Medical Center
Classification: Likely benign. Review status: no assertion criteria provided. Collection method: clinical testing. Allele origin: germline. Affected: yes. Study: VKGL Data-share Consensus. Not counted in ClinVar's aggregate classification.

Genome Diagnostics Laboratory, University Medical Center Utrecht
Classification: Likely benign. Review status: no assertion criteria provided. Collection method: clinical testing. Allele origin: germline. Affected: yes. Study: VKGL Data-share Consensus. Not counted in ClinVar's aggregate classification.

NM_017864.4(INTS8):c.873A>G (p.Leu291=)

Gene: INTS8 (integrator complex subunit 8; plus strand). Cytogenetic location: 8q22.1.
Variant type: single nucleotide variant.
Coding change: c.873A>G on transcript NM_017864.4 (MANE Select); coding-DNA position 873, A replaced by G.
Protein change: p.Leu291=; no amino-acid change (leucine 291 retained).
Molecular consequence: synonymous variant. On other transcripts: non-coding transcript variant (1).
Genome position (GRCh38, 1-based): chr8:94,838,474, A>G. VCF-style: chr8-94838474-A-G. GRCh37 (hg19) VCF-style: chr8-95850702-A-G.
Other names: c.873A>G (NM_017864.3).
Identifiers: ClinVar variation 1285099 (VCV001285099.5), dbSNP rs77629237, ClinGen allele CA4813437.